The following is an entry in ClinVar:

NM_004136.4(IREB2):c.273-11T>A

Gene: IREB2 (iron responsive element binding protein 2; plus strand). Cytogenetic location: 15q25.1.
Variant type: single nucleotide variant.
Coding change: c.273-11T>A on transcript NM_004136.4 (MANE Select); 11 bases into the intron before coding-DNA position 273, T replaced by A.
Molecular consequence: intron variant.
Genome position (GRCh38, 1-based): chr15:78,465,240, T>A. VCF-style: chr15-78465240-T-A. GRCh37 (hg19) VCF-style: chr15-78757582-T-A.
Other names: c.102-11T>A (NM_001354994.2, NM_001320942.2); c.-408-11T>A (NM_001320941.2); c.273-11T>A (NM_001320943.2).
Identifiers: ClinVar variation 2011951 (VCV002011951.4), dbSNP rs2051261300, ClinGen allele CA971777250.

ClinVar aggregate classification (germline): Uncertain significance (1 of 4 stars; one submission).

Allele frequency attached by ClinVar (database versions not stated): gnomAD exomes below 0.00001; TOPMed below 0.00001; gnomAD 0.00001.
gnomAD v4.1: 2 of 1,597,814 alleles (0.00013%); highest among the groups gnomAD compares: Admixed American, 0.0018%; no homozygotes.

Submission:

Labcorp Genetics (formerly Invitae), Labcorp
Classification: Uncertain significance. Last evaluated: 2022-06-30. Review status: criteria provided, single submitter. Criteria: Invitae Variant Classification Sherloc (09022015). Collection method: clinical testing. Allele origin: germline.
Comment: This variant is not present in population databases (gnomAD no frequency). In summary, the available evidence is currently insufficient to determine the role of this variant in disease. Therefore, it has been classified as a Variant of Uncertain Significance. Algorithms developed to predict the effect of sequence changes on RNA splicing suggest that this variant may disrupt the consensus splice site. This variant has not been reported in the literature in individuals affected with IREB2-related conditions. This sequence change falls in intron 3 of the IREB2 gene. It does not directly change the encoded amino acid sequence of the IREB2 protein.